The following is an entry in ClinVar:

NM_005051.3(QARS1):c.1635A>G (p.Gln545=)

Gene: QARS1 (glutaminyl-tRNA synthetase 1; minus strand). Cytogenetic location: 3p21.31.
Variant type: single nucleotide variant.
Coding change: c.1635A>G on transcript NM_005051.3 (MANE Select); coding-DNA position 1635, A replaced by G.
Protein change: p.Gln545=; no amino-acid change (glutamine 545 retained).
Molecular consequence: synonymous variant. On other transcripts: non-coding transcript variant (1).
Genome position (GRCh38, 1-based): chr3:49,099,233, T>C on the plus strand (A>G on the coding strand, the complement: QARS1 is on the minus strand). VCF-style: chr3-49099233-T-C. GRCh37 (hg19) VCF-style: chr3-49136666-T-C.
Other names: p.Gln545=; c.1602A>G, p.Gln534= (NM_001272073.2).
Identifiers: ClinVar variation 240091 (VCV000240091.12), dbSNP rs113144521, ClinGen allele CA2391685.

ClinVar aggregate classification (germline): Benign. Review status: criteria provided, multiple submitters, no conflicts (2 of 4 stars). 5 submissions from 5 submitters: Benign (5). Last evaluated 2026-02-03.

Conditions:
Diffuse cerebral and cerebellar atrophy - intractable seizures - progressive microcephaly syndrome. Also called: Microcephaly, progressive, with seizures and cerebral and cerebellar atrophy. Identifiers: Orphanet 404437, MedGen C4014239, MONDO:0014335, OMIM 615760.

Allele frequency attached by ClinVar (database versions not stated): gnomAD 0.00701 and 0.00666; 1000 Genomes Project 30x 0.01077; ESP Exome Variant Server 0.00707; TOPMed 0.00739; 1000 Genomes Project 0.00998; gnomAD exomes 0.00068 and 0.00196; ExAC 0.00234.
gnomAD v4.1: 2,088 of 1,614,086 alleles (0.13%); highest among the groups gnomAD compares: African/African-American, 2.3%; 26 homozygotes.

Submissions (5):

Labcorp Genetics (formerly Invitae), Labcorp
Classification: Benign for Diffuse cerebral and cerebellar atrophy - intractable seizures - progressive microcephaly syndrome. Last evaluated: 2026-02-03. Review status: criteria provided, single submitter. Criteria: Invitae Variant Classification Sherloc (09022015). Collection method: clinical testing. Allele origin: germline.

Mayo Clinic Laboratories, Mayo Clinic
Classification: Benign. Last evaluated: 2025-05-28. Review status: criteria provided, single submitter. Criteria: ACMG Guidelines, 2015. Collection method: clinical testing. Allele origin: germline. Observed: 2 variant alleles.
Comment: BA1, BS2, BP4, BP7

Athena Diagnostics
Classification: Benign. Last evaluated: 2024-12-23. Review status: criteria provided, single submitter. Criteria: Athena Diagnostics Criteria. Collection method: clinical testing. Allele origin: unknown.
Comment: The frequency of this variant in the general population is higher than would generally be expected for pathogenic variants in this gene. Computational tools yielded predictions that this variant is unlikely to have an effect on normal RNA splicing.

GeneDx
Classification: Benign. Last evaluated: 2016-02-16. Review status: criteria provided, single submitter. Criteria: GeneDx Variant Classification (06012015). Collection method: clinical testing. Allele origin: germline. Affected: yes.
Comment: This variant is considered likely benign or benign based on one or more of the following criteria: it is a conservative change, it occurs at a poorly conserved position in the protein, it is predicted to be benign by multiple in silico algorithms, and/or has population frequency not consistent with disease.

Breakthrough Genomics
Classification: Benign. Review status: criteria provided, single submitter. Criteria: ACMG Guidelines, 2015. Collection method: not provided. Allele origin: germline. Inheritance: Autosomal recessive inheritance. Affected: yes.